The following is an entry in ClinVar:

ClinVar aggregate classification (germline): Uncertain significance (1 of 4 stars; one submission).

Allele frequency attached by ClinVar (database versions not stated): ExAC 0.00001.
gnomAD v4.1: 21 of 1,614,204 alleles (0.0013%); highest among the groups gnomAD compares: Non-Finnish European, 0.0018%; no homozygotes.

Submission:

Labcorp Genetics (formerly Invitae), Labcorp
Classification: Uncertain significance. Last evaluated: 2022-01-19. Review status: criteria provided, single submitter. Criteria: Invitae Variant Classification Sherloc (09022015). Collection method: clinical testing. Allele origin: germline.
Comment: In summary, the available evidence is currently insufficient to determine the role of this variant in disease. Therefore, it has been classified as a Variant of Uncertain Significance. Algorithms developed to predict the effect of missense changes on protein structure and function are either unavailable or do not agree on the potential impact of this missense change (SIFT: "Deleterious"; PolyPhen-2: "Probably Damaging"; Align-GVGD: "Class C0"). This variant has not been reported in the literature in individuals affected with KCNV2-related conditions. This variant is present in population databases (rs768154610, gnomAD 0.002%). This sequence change replaces serine, which is neutral and polar, with cysteine, which is neutral and slightly polar, at codon 10 of the KCNV2 protein (p.Ser10Cys).

NM_133497.4(KCNV2):c.29C>G (p.Ser10Cys)

Gene: KCNV2 (potassium voltage-gated channel modifier subfamily V member 2; plus strand). Cytogenetic location: 9p24.2.
Variant type: single nucleotide variant.
Coding change: c.29C>G on transcript NM_133497.4 (MANE Select); coding-DNA position 29, C replaced by G.
Protein change: p.Ser10Cys; replaces serine 10 with cysteine.
Molecular consequence: missense variant.
Genome position (GRCh38, 1-based): chr9:2,717,768, C>G. VCF-style: chr9-2717768-C-G. GRCh37 (hg19) VCF-style: chr9-2717768-C-G.
Other names: short protein forms S10C.
Identifiers: ClinVar variation 1975065 (VCV001975065.3), dbSNP rs768154610, ClinGen allele CA4965294.